The following is an entry in ClinVar:

NM_016247.4(IMPG2):c.*2917G>A

Gene: IMPG2 (interphotoreceptor matrix proteoglycan 2; minus strand). Cytogenetic location: 3q12.3.
Variant type: single nucleotide variant.
Coding change: c.*2917G>A on transcript NM_016247.4 (MANE Select); 2917 bases downstream of the stop codon, G replaced by A.
Molecular consequence: 3 prime UTR variant.
Genome position (GRCh38, 1-based): chr3:101,224,052, C>T on the plus strand (G>A on the coding strand, the complement: IMPG2 is on the minus strand). VCF-style: chr3-101224052-C-T. GRCh37 (hg19) VCF-style: chr3-100942896-C-T.
Identifiers: ClinVar variation 900088 (VCV000900088.5), dbSNP rs117574754, ClinGen allele CA79704749.

ClinVar aggregate classification (germline): Benign. Review status: criteria provided, multiple submitters, no conflicts (2 of 4 stars). 2 submissions from 2 submitters: Benign (2). Last evaluated 2017-04-27.

Conditions:
Retinitis pigmentosa (RP). Identifiers: Orphanet 791, MedGen C0035334, MeSH D012174, MONDO:0019200, OMIM 268000. Inheritance: Autosomal dominant, autosomal recessive and X linked inheritance.

Allele frequency attached by ClinVar (database versions not stated): gnomAD 0.00125 and 0.00144; TOPMed 0.00176; 1000 Genomes Project 30x 0.00250; 1000 Genomes Project 0.00319.

Submissions (2):

Illumina Laboratory Services, Illumina
Classification: Benign for Retinitis pigmentosa. Last evaluated: 2017-04-27. Review status: criteria provided, single submitter. Criteria: ICSL Variant Classification Criteria 13 December 2019. Collection method: clinical testing. Allele origin: germline.
Comment: This variant was observed as part of a predisposition screen in an ostensibly healthy population. A literature search was performed for the gene, cDNA change, and amino acid change (where applicable). No publications were found based on this search. Allele frequency data from public databases was too high to be consistent with this variant causing disease. Therefore, this variant is classified as benign.

Breakthrough Genomics
Classification: Benign. Review status: criteria provided, single submitter. Criteria: ACMG Guidelines, 2015. Collection method: not provided. Allele origin: germline. Inheritance: Autosomal recessive inheritance. Affected: yes.